The following is an entry in ClinVar:

ClinVar aggregate classification (germline): Likely pathogenic (1 of 4 stars; one submission).

Conditions:
TTC21B-related disorder. Also called: TTC21B-related condition; TTC21B-related disorders.

Submission:

PreventionGenetics, part of Exact Sciences
Classification: Likely pathogenic for TTC21B-related condition. Last evaluated: 2026-08-27. Review status: criteria provided, single submitter. Criteria: ACMG Guidelines, 2015. Collection method: clinical testing. Allele origin: germline.
Comment: The TTC21B c.2080dupA variant is predicted to result in a frameshift and premature protein termination (p.Met694Asnfs*12). To our knowledge, this variant has not been reported in the literature or in a large population database (gnomAD), indicating this variant is rare. Frameshift variants in TTC21B are expected to be pathogenic. This variant is interpreted as likely pathogenic.

NM_024753.5(TTC21B):c.2080dup (p.Met694fs)

Gene: TTC21B (tetratricopeptide repeat domain 21B; minus strand). Cytogenetic location: 2q24.3.
Variant type: Duplication.
Coding change: c.2080dup on transcript NM_024753.5 (MANE Select); coding-DNA position 2080, one base duplicated (A; older notation c.2080dupA).
Protein change: p.Met694fs; shifts the reading frame from methionine 694.
Molecular consequence: frameshift variant.
Genome position (GRCh38, 1-based): chr2:165,915,259, T duplicated on the plus strand (A on the coding strand, the reverse complement: TTC21B is on the minus strand); the first of 6 consecutive T bases (chr2:165,915,259-165,915,264); duplicating any one gives the same sequence. VCF-style (leftmost placement, unchanged base first): chr2-165915258-A-AT. GRCh37 (hg19) VCF-style: chr2-166771768-A-AT.
Other names: short protein forms M694fs.
Identifiers: ClinVar variation 4993365 (VCV004993365.1).